The following is an entry in ClinVar:

NM_013275.6(ANKRD11):c.6262G>C (p.Ala2088Pro)

Gene: ANKRD11 (ankyrin repeat domain 11; minus strand). Cytogenetic location: 16q24.3.
Variant type: single nucleotide variant.
Coding change: c.6262G>C on transcript NM_013275.6 (MANE Select); coding-DNA position 6262, G replaced by C.
Protein change: p.Ala2088Pro; replaces alanine 2088 with proline.
Molecular consequence: missense variant.
Genome position (GRCh38, 1-based): chr16:89,280,280, C>G on the plus strand (G>C on the coding strand, the complement: ANKRD11 is on the minus strand). VCF-style: chr16-89280280-C-G. GRCh37 (hg19) VCF-style: chr16-89346688-C-G.
Other names: c.6262G>C, p.Ala2088Pro (NM_001256182.2, NM_001256183.2); short protein forms A2088P.
Identifiers: ClinVar variation 2962982 (VCV002962982.4), dbSNP rs753691962, ClinGen allele CA286510483.

ClinVar aggregate classification (germline): Uncertain significance. Review status: criteria provided, multiple submitters, no conflicts (2 of 4 stars). 2 submissions from 2 submitters: Uncertain significance (2). Last evaluated 2024-04-09.

Conditions:
KBG syndrome (KBGS). Also called: ANKRD11-Related KBG Syndrome. Identifiers: Orphanet 2332, MedGen C0220687, MONDO:0007846, OMIM 148050.

Submissions (2):

Women's Health and Genetics/Laboratory Corporation of America, LabCorp
Classification: Uncertain significance. Last evaluated: 2024-04-09. Review status: criteria provided, single submitter. Criteria: LabCorp Variant Classification Summary - May 2015. Collection method: clinical testing. Allele origin: germline.
Comment: Variant summary: ANKRD11 c.6262G>C (p.Ala2088Pro) results in a non-conservative amino acid change in the encoded protein sequence. Four of five in-silico tools predict a benign effect of the variant on protein function. The variant was absent in 231060 control chromosomes. The available data on variant occurrences in the general population are insufficient to allow any conclusion about variant significance. To our knowledge, no occurrence of c.6262G>C in individuals affected with KBG Syndrome and no experimental evidence demonstrating its impact on protein function have been reported. ClinVar contains an entry for this variant (Variation ID: 2962982). Based on the evidence outlined above, the variant was classified as uncertain significance.

Labcorp Genetics (formerly Invitae), Labcorp
Classification: Uncertain significance for KBG syndrome. Last evaluated: 2024-01-26. Review status: criteria provided, single submitter. Criteria: Invitae Variant Classification Sherloc (09022015). Collection method: clinical testing. Allele origin: germline.
Comment: This sequence change replaces alanine, which is neutral and non-polar, with proline, which is neutral and non-polar, at codon 2088 of the ANKRD11 protein (p.Ala2088Pro). This variant is not present in population databases (gnomAD no frequency). This variant has not been reported in the literature in individuals affected with ANKRD11-related conditions. Advanced modeling of protein sequence and biophysical properties (such as structural, functional, and spatial information, amino acid conservation, physicochemical variation, residue mobility, and thermodynamic stability) performed at Invitae indicates that this missense variant is not expected to disrupt ANKRD11 protein function with a negative predictive value of 95%. In summary, the available evidence is currently insufficient to determine the role of this variant in disease. Therefore, it has been classified as a Variant of Uncertain Significance.